The following is an entry in ClinVar:

NM_000368.5(TSC1):c.1333+6del

Gene: TSC1 (TSC complex subunit 1; minus strand). Cytogenetic location: 9q34.13.
Variant type: Deletion.
Coding change: c.1333+6del on transcript NM_000368.5 (MANE Select); 6 bases into the intron after coding-DNA position 1333, one base deleted (A; older notation c.1333+6delA).
Molecular consequence: intron variant.
Genome position (GRCh38, 1-based): chr9:132,907,295, T deleted on the plus strand (A on the coding strand, the reverse complement: TSC1 is on the minus strand); the first of 4 consecutive T bases (chr9:132,907,295-132,907,298); deleting any one gives the same sequence. VCF-style (leftmost placement, unchanged base first): chr9-132907294-AT-A. GRCh37 (hg19) VCF-style: chr9-135782681-AT-A.
Other names: c.1333+6delA (NM_000368.4, NM_000368.5); c.970+6del (NM_001362177.2); c.1180+6del (NM_001162427.2); c.1330+6del (NM_001162426.2).
Identifiers: ClinVar variation 411254 (VCV000411254.16), dbSNP rs1060503212, ClinGen allele CA16612469.

ClinVar aggregate classification (germline): Conflicting classifications of pathogenicity. Review status: criteria provided, conflicting classifications (1 of 4 stars). 5 submissions from 5 submitters: Uncertain significance (2); Benign (1); Likely benign (2). Last evaluated 2026-01-31.

Conditions:
TSC1-related disorder. Also called: TSC1-related condition.
Tuberous sclerosis syndrome (TSC). Also called: Tuberous Sclerosis Complex; Tuberous sclerosis. Identifiers: Orphanet 805, MedGen C0041341, MONDO:0001734.
Tuberous sclerosis 1 (TSC1). Identifiers: Orphanet 805, MedGen C1854465, MONDO:0008612, OMIM 191100.

Submissions (5):

Labcorp Genetics (formerly Invitae), Labcorp
Classification: Benign for Tuberous sclerosis 1. Last evaluated: 2026-01-31. Review status: criteria provided, single submitter. Criteria: Invitae Variant Classification Sherloc (09022015). Collection method: clinical testing. Allele origin: germline.

Women's Health and Genetics/Laboratory Corporation of America, LabCorp
Classification: Uncertain significance. Last evaluated: 2025-10-06. Review status: criteria provided, single submitter. Criteria: LabCorp Variant Classification Summary - May 2015. Collection method: clinical testing. Allele origin: germline.
Comment: Variant summary: TSC1 c.1333+6delA alters a nucleotide located close to a canonical splice site and therefore could affect mRNA splicing, leading to a significantly altered protein sequence. Consensus agreement among computation tools predict no significant impact on normal splicing. However, these predictions have yet to be confirmed by functional studies. The variant was absent in 251318 control chromosomes. The available data on variant occurrences in the general population are insufficient to allow any conclusion about variant significance. To our knowledge, no occurrence of c.1333+6delA in individuals affected with TSC1-related conditions and no experimental evidence demonstrating its impact on protein function have been reported. ClinVar contains an entry for this variant (Variation ID: 411254). Based on the evidence outlined above, the variant was classified as uncertain significance.

PreventionGenetics, part of Exact Sciences
Classification: Likely benign for TSC1-related condition. Last evaluated: 2025-05-23. Review status: criteria provided, single submitter. Criteria: ACMG Guidelines, 2015. Collection method: clinical testing. Allele origin: germline.
Comment: This variant is classified as likely benign based on ACMG/AMP sequence variant interpretation guidelines (Richards et al. 2015 PMID: 25741868, with internal and published modifications).

Myriad Genetics, Inc.
Classification: Likely benign for Tuberous sclerosis 1. Last evaluated: 2025-04-09. Review status: criteria provided, single submitter. Criteria: Myriad Autosomal Dominant, Autosomal Recessive and X-Linked Classification Criteria (2023). Collection method: clinical testing. Allele origin: unknown.
Comment: This variant is considered likely benign. This variant is intronic and is not expected to impact mRNA splicing.

Color Diagnostics, LLC DBA Color Health
Classification: Uncertain significance for Tuberous sclerosis syndrome. Last evaluated: 2024-04-17. Review status: criteria provided, single submitter. Criteria: ACMG Guidelines, 2015. Collection method: clinical testing. Allele origin: germline.
Comment: This variant causes deletion of threonine at the +6 position in intron 13 of the TSC1 gene. To our knowledge, RNA studies have not been reported for this variant. This variant has not been reported in individuals affected with TSC1-related disorders in the literature. This variant has not been identified in the general population by the Genome Aggregation Database (gnomAD). The available evidence is insufficient to determine the role of this variant in disease conclusively. Therefore, this variant is classified as a Variant of Uncertain Significance.